The following is an entry in ClinVar:

ClinVar aggregate classification (germline): Pathogenic (1 of 4 stars; one submission).

Conditions:
Propionic acidemia (PROP). Also called: GLYCINEMIA, KETOTIC; HYPERGLYCINEMIA WITH KETOACIDOSIS AND LEUKOPENIA; KETOTIC HYPERGLYCINEMIA. Identifiers: Orphanet 35, MedGen C0268579, MONDO:0011628, OMIM 606054, HP:0003571.

Submission:

Labcorp Genetics (formerly Invitae), Labcorp
Classification: Pathogenic for Propionic acidemia. Last evaluated: 2024-01-21. Review status: criteria provided, single submitter. Criteria: Invitae Variant Classification Sherloc (09022015). Collection method: clinical testing. Allele origin: germline.
Comment: This sequence change creates a premature translational stop signal (p.Lys378*) in the PCCA gene. It is expected to result in an absent or disrupted protein product. Loss-of-function variants in PCCA are known to be pathogenic (PMID: 15464417). This variant is not present in population databases (gnomAD no frequency). This variant has not been reported in the literature in individuals affected with PCCA-related conditions. Algorithms developed to predict the effect of sequence changes on RNA splicing suggest that this variant may disrupt the consensus splice site. For these reasons, this variant has been classified as Pathogenic.

Literature cited by the submitters: PubMed 15464417.

NM_000282.4(PCCA):c.1132A>T (p.Lys378Ter)

Gene: PCCA (propionyl-CoA carboxylase subunit alpha; plus strand). Cytogenetic location: 13q32.3.
Variant type: single nucleotide variant.
Coding change: c.1132A>T on transcript NM_000282.4 (MANE Select); coding-DNA position 1132, A replaced by T.
Protein change: p.Lys378Ter; replaces lysine 378 with a stop codon.
Molecular consequence: nonsense. On other transcripts: non-coding transcript variant (5), intron variant (3).
Genome position (GRCh38, 1-based): chr13:100,301,526, A>T. VCF-style: chr13-100301526-A-T. GRCh37 (hg19) VCF-style: chr13-100953780-A-T.
Other names: c.1132A>T, p.Lys378Ter (NM_001352609.2, NM_001178004.2, NM_001352605.2); c.187A>T, p.Lys63Ter (NM_001352610.2, NM_001352611.2); c.1054A>T, p.Lys352Ter (NM_001127692.3, NM_001352607.2); c.1066-1398A>T (NM_001352606.2); c.121-1398A>T (NM_001352612.2); c.988-1398A>T (NM_001352608.2); short protein forms K63*, K352*, K378*.
Identifiers: ClinVar variation 2710634 (VCV002710634.3), dbSNP rs2548113260, ClinGen allele CA388695235.